The following is an entry in ClinVar:

NM_004667.6(HERC2):c.293T>C (p.Leu98Pro)

Gene: HERC2 (HECT and RLD domain containing E3 ubiquitin protein ligase 2; minus strand). Cytogenetic location: 15q13.1.
Variant type: single nucleotide variant.
Coding change: c.293T>C on transcript NM_004667.6 (MANE Select); coding-DNA position 293, T replaced by C.
Protein change: p.Leu98Pro; replaces leucine 98 with proline.
Molecular consequence: missense variant.
Genome position (GRCh38, 1-based): chr15:28,292,917, A>G on the plus strand (T>C on the coding strand, the complement: HERC2 is on the minus strand). VCF-style: chr15-28292917-A-G. GRCh37 (hg19) VCF-style: chr15-28538063-A-G.
Other names: c.293T>C (NM_004667.4, NM_004667.5); short protein forms L98P.
Identifiers: ClinVar variation 1209940 (VCV001209940.7), dbSNP rs142254143, ClinGen allele CA267910901.
Genomic context (GRCh38, chr15:28,292,917, plus strand): 5'-CTTTCCAAAGTGCCAAAATTCACAAGATTACCTGGTTGCTTGCCCCATACCCAGCTGTCC[A>G]GAATTGACTTGGCCCTATATATAGGTGCAGGAGTTTCTTCTTCATCTTTTTTCTCTTTGT-3'
Protein context (NP_004658.3, residues 88-108): PAPIYRAKSI[Leu98Pro]DSWVWGKQPD

ClinVar aggregate classification (germline): Uncertain significance. Review status: criteria provided, multiple submitters, no conflicts (2 of 4 stars). 4 submissions from 4 submitters: Uncertain significance (2). 2 of the submissions do not count toward it. Last evaluated 2025-06-23.

Conditions:
Inborn genetic diseases. Identifiers: MedGen C0950123, MeSH D030342.

Allele frequency attached by ClinVar (database versions not stated): ExAC 0.00014; gnomAD 0.00015 and 0.00017; gnomAD exomes 0.00015 and 0.00019; TOPMed 0.00012; ESP Exome Variant Server 0.00023.
gnomAD v4.1: 291 of 1,610,940 alleles (0.018%); highest among the groups gnomAD compares: Non-Finnish European, 0.022%; no homozygotes.

Submissions (4):

GeneDx
Classification: Uncertain significance. Last evaluated: 2025-06-23. Review status: criteria provided, single submitter. Criteria: GeneDx Variant Classification Process June 2021. Collection method: clinical testing. Allele origin: germline. Affected: yes.
Comment: In silico analysis supports that this missense variant has a deleterious effect on protein structure/function; Has not been previously published as pathogenic or benign to our knowledge

Ambry Genetics
Classification: Uncertain significance for Inborn genetic diseases. Last evaluated: 2024-05-26. Review status: criteria provided, single submitter. Criteria: Ambry Variant Classification Scheme 2023. Collection method: clinical testing. Allele origin: germline.

Clinical Genetics DNA and cytogenetics Diagnostics Lab, Erasmus MC, Erasmus Medical Center
Classification: Uncertain significance. Review status: no assertion criteria provided. Collection method: clinical testing. Allele origin: germline. Affected: yes. Study: VKGL Data-share Consensus. Not counted in ClinVar's aggregate classification.

Genome Diagnostics Laboratory, Amsterdam University Medical Center
Classification: Uncertain significance. Review status: no assertion criteria provided. Collection method: clinical testing. Allele origin: germline. Affected: yes. Study: VKGL Data-share Consensus. Not counted in ClinVar's aggregate classification.